The following is an entry in ClinVar:

ClinVar aggregate classification (germline): Uncertain significance (1 of 4 stars; one submission).

Conditions:
Hereditary cancer-predisposing syndrome. Also called: Neoplastic Syndromes, Hereditary; Hereditary neoplastic syndrome; Hereditary Cancer Syndrome; Tumor predisposition. Identifiers: Orphanet 140162, MedGen C0027672, MeSH D009386, MONDO:0015356.

Submission:

Ambry Genetics
Classification: Uncertain significance for Hereditary cancer-predisposing syndrome. Last evaluated: 2026-07-15. Review status: criteria provided, single submitter. Criteria: Ambry Variant Classification Scheme 2023. Collection method: clinical testing. Allele origin: germline.
Comment: The p.C492F variant (also known as c.1475G>T), located in coding exon 11 of the BMPR1A gene, results from a G to T substitution at nucleotide position 1475. The cysteine at codon 492 is replaced by phenylalanine, an amino acid with highly dissimilar properties. This amino acid position is highly conserved in available vertebrate species. In addition, this alteration is predicted to be deleterious by in silico analysis. Based on the available evidence, the clinical significance of this variant remains unclear.

NM_004329.3(BMPR1A):c.1475G>T (p.Cys492Phe)

Gene: BMPR1A (bone morphogenetic protein receptor type 1A; plus strand). Cytogenetic location: 10q23.2.
Variant type: single nucleotide variant.
Coding change: c.1475G>T on transcript NM_004329.3 (MANE Select); coding-DNA position 1475, G replaced by T.
Protein change: p.Cys492Phe; replaces cysteine 492 with phenylalanine.
Molecular consequence: missense variant.
Genome position (GRCh38, 1-based): chr10:86,923,595, G>T. VCF-style: chr10-86923595-G-T. GRCh37 (hg19) VCF-style: chr10-88683352-G-T.
Other names: short protein forms C492F.
Identifiers: ClinVar variation 486801 (VCV000486801.6), dbSNP rs1256130183, ClinGen allele CA377463665.